The following is an entry in ClinVar:

ClinVar aggregate classification (germline): Uncertain significance (1 of 4 stars; one submission).

gnomAD v4.1: 8 of 1,577,370 alleles (0.00051%); highest among the groups gnomAD compares: Non-Finnish European, 0.00069%; no homozygotes.

Submission:

Labcorp Genetics (formerly Invitae), Labcorp
Classification: Uncertain significance. Last evaluated: 2023-10-06. Review status: criteria provided, single submitter. Criteria: Invitae Variant Classification Sherloc (09022015). Collection method: clinical testing. Allele origin: germline.
Comment: This sequence change replaces proline, which is neutral and non-polar, with serine, which is neutral and polar, at codon 676 of the COL18A1 protein (p.Pro676Ser). The frequency data for this variant in the population databases is considered unreliable, as metrics indicate poor data quality at this position in the gnomAD database. This variant has not been reported in the literature in individuals affected with COL18A1-related conditions. Algorithms developed to predict the effect of missense changes on protein structure and function output the following: SIFT: "Not Available"; PolyPhen-2: "Not Available"; Align-GVGD: "Not Available". The serine amino acid residue is found in multiple mammalian species, which suggests that this missense change does not adversely affect protein function. In summary, the available evidence is currently insufficient to determine the role of this variant in disease. Therefore, it has been classified as a Variant of Uncertain Significance.

NM_001379500.1(COL18A1):c.2026C>T (p.Pro676Ser)

Gene: COL18A1 (collagen type XVIII alpha 1 chain; plus strand). Cytogenetic location: 21q22.3.
Variant type: single nucleotide variant.
Coding change: c.2026C>T on transcript NM_001379500.1 (MANE Select); coding-DNA position 2026, C replaced by T.
Protein change: p.Pro676Ser; replaces proline 676 with serine.
Molecular consequence: missense variant.
Genome position (GRCh38, 1-based): chr21:45,490,341, C>T. VCF-style: chr21-45490341-C-T. GRCh37 (hg19) VCF-style: chr21-46910255-C-T.
Other names: c.2566C>T, p.Pro856Ser (NM_030582.4); c.3271C>T, p.Pro1091Ser (NM_130444.3); short protein forms P856S, P676S, P1091S.
Identifiers: ClinVar variation 2764682 (VCV002764682.1), dbSNP rs1235590196, ClinGen allele CA410496825.